The following is an entry in ClinVar:

NM_005477.3(HCN4):c.3586C>G (p.Arg1196Gly)

Gene: HCN4 (hyperpolarization activated cyclic nucleotide gated potassium channel 4; minus strand). Cytogenetic location: 15q24.1.
Variant type: single nucleotide variant.
Coding change: c.3586C>G on transcript NM_005477.3 (MANE Select); coding-DNA position 3586, C replaced by G.
Protein change: p.Arg1196Gly; replaces arginine 1196 with glycine.
Molecular consequence: missense variant.
Genome position (GRCh38, 1-based): chr15:73,322,507, G>C on the plus strand (C>G on the coding strand, the complement: HCN4 is on the minus strand). VCF-style: chr15-73322507-G-C. GRCh37 (hg19) VCF-style: chr15-73614848-G-C.
Other names: short protein forms R1196G.
Identifiers: ClinVar variation 3624951 (VCV003624951.2).

ClinVar aggregate classification (germline): Uncertain significance (1 of 4 stars; one submission).

Conditions:
Brugada syndrome 8 (BRGDA8). Identifiers: Orphanet 130, MedGen C2751083, MONDO:0013148, OMIM 613123.

Submission:

Labcorp Genetics (formerly Invitae), Labcorp
Classification: Uncertain significance for Brugada syndrome 8. Last evaluated: 2024-07-06. Review status: criteria provided, single submitter. Criteria: Invitae Variant Classification Sherloc (09022015). Collection method: clinical testing. Allele origin: germline.
Comment: This sequence change replaces arginine, which is basic and polar, with glycine, which is neutral and non-polar, at codon 1196 of the HCN4 protein (p.Arg1196Gly). This variant is not present in population databases (gnomAD no frequency). This variant has not been reported in the literature in individuals affected with HCN4-related conditions. Advanced modeling of protein sequence and biophysical properties (such as structural, functional, and spatial information, amino acid conservation, physicochemical variation, residue mobility, and thermodynamic stability) performed at Invitae indicates that this missense variant is not expected to disrupt HCN4 protein function with a negative predictive value of 95%. In summary, the available evidence is currently insufficient to determine the role of this variant in disease. Therefore, it has been classified as a Variant of Uncertain Significance.